The following is an entry in ClinVar:

NM_003803.4(MYOM1):c.3832A>G (p.Ile1278Val)

Gene: MYOM1 (myomesin 1; minus strand). Cytogenetic location: 18p11.31.
Variant type: single nucleotide variant.
Coding change: c.3832A>G on transcript NM_003803.4 (MANE Select); coding-DNA position 3832, A replaced by G.
Protein change: p.Ile1278Val; replaces isoleucine 1278 with valine.
Molecular consequence: missense variant.
Genome position (GRCh38, 1-based): chr18:3,094,202, T>C on the plus strand (A>G on the coding strand, the complement: MYOM1 is on the minus strand). VCF-style: chr18-3094202-T-C. GRCh37 (hg19) VCF-style: chr18-3094200-T-C.
Other names: c.3544A>G, p.Ile1182Val (NM_019856.2); short protein forms I1182V, I1278V.
Identifiers: ClinVar variation 1395805 (VCV001395805.6), dbSNP rs2079266432, ClinGen allele CA401713334.

ClinVar aggregate classification (germline): Uncertain significance (1 of 4 stars; one submission).

Conditions:
Hypertrophic cardiomyopathy. Also called: HYPERTROPHIC MYOCARDIOPATHY. Identifiers: Orphanet 217569, MedGen C0007194, MeSH D002312, MONDO:0005045, HP:0001639.

Allele frequency attached by ClinVar (database versions not stated): gnomAD exomes below 0.00001.
gnomAD v4.1: 3 of 1,614,028 alleles (0.00019%); highest among the groups gnomAD compares: Non-Finnish European, 0.00025%; no homozygotes.

Submission:

Labcorp Genetics (formerly Invitae), Labcorp
Classification: Uncertain significance for Hypertrophic cardiomyopathy. Last evaluated: 2022-09-27. Review status: criteria provided, single submitter. Criteria: Invitae Variant Classification Sherloc (09022015). Collection method: clinical testing. Allele origin: germline.
Comment: Advanced modeling of protein sequence and biophysical properties (such as structural, functional, and spatial information, amino acid conservation, physicochemical variation, residue mobility, and thermodynamic stability) performed at Invitae indicates that this missense variant is not expected to disrupt MYOM1 protein function. In summary, the available evidence is currently insufficient to determine the role of this variant in disease. Therefore, it has been classified as a Variant of Uncertain Significance. This sequence change replaces isoleucine, which is neutral and non-polar, with valine, which is neutral and non-polar, at codon 1278 of the MYOM1 protein (p.Ile1278Val). This variant is not present in population databases (gnomAD no frequency). This variant has not been reported in the literature in individuals affected with MYOM1-related conditions. ClinVar contains an entry for this variant (Variation ID: 1395805).